The following is an entry in ClinVar:

ClinVar aggregate classification (germline): Pathogenic (1 of 4 stars; one submission).

Submission:

Labcorp Genetics (formerly Invitae), Labcorp
Classification: Pathogenic. Last evaluated: 2023-12-13. Review status: criteria provided, single submitter. Criteria: Invitae Variant Classification Sherloc (09022015). Collection method: clinical testing. Allele origin: germline.
Comment: This sequence change creates a premature translational stop signal (p.Gly94Alafs*17) in the TGM1 gene. It is expected to result in an absent or disrupted protein product. Loss-of-function variants in TGM1 are known to be pathogenic (PMID: 18948357, 19241467). The frequency data for this variant in the population databases is considered unreliable, as metrics indicate poor data quality at this position in the gnomAD database. This premature translational stop signal has been observed in individual(s) with autosomal recessive icthyosis (PMID: 31168818). For these reasons, this variant has been classified as Pathogenic.

Literature cited by the submitters: PubMed 18948357; PubMed 19241467; PubMed 31168818.

NM_000359.3(TGM1):c.281del (p.Gly94fs)

Gene: TGM1 (transglutaminase 1; minus strand). Cytogenetic location: 14q12.
Variant type: Deletion.
Coding change: c.281del on transcript NM_000359.3 (MANE Select); coding-DNA position 281, one base deleted (G; older notation c.281delG).
Protein change: p.Gly94fs; shifts the reading frame from glycine 94.
Molecular consequence: frameshift variant.
Genome position (GRCh38, 1-based): chr14:24,262,072, C deleted on the plus strand (G on the coding strand, the reverse complement: TGM1 is on the minus strand); the first of 4 consecutive C bases (chr14:24,262,072-24,262,075); deleting any one gives the same sequence. VCF-style (leftmost placement, unchanged base first): chr14-24262071-GC-G. GRCh37 (hg19) VCF-style: chr14-24731277-GC-G.
Other names: short protein forms G94fs.
Identifiers: ClinVar variation 2972705 (VCV002972705.3), dbSNP rs1229690070, ClinGen allele CA613320973.